The following is an entry in ClinVar:

ClinVar aggregate classification (germline): Uncertain significance (1 of 4 stars; one submission).

Allele frequency attached by ClinVar (database versions not stated): TOPMed below 0.00001; ExAC 0.00001.

Submission:

Labcorp Genetics (formerly Invitae), Labcorp
Classification: Uncertain significance. Last evaluated: 2023-02-08. Review status: criteria provided, single submitter. Criteria: Invitae Variant Classification Sherloc (09022015). Collection method: clinical testing. Allele origin: germline.
Comment: Variants that disrupt the consensus splice site are a relatively common cause of aberrant splicing (PMID: 17576681, 9536098). Algorithms developed to predict the effect of sequence changes on RNA splicing suggest that this variant may create or strengthen a splice site. This variant has not been reported in the literature in individuals affected with MCM2-related conditions. This variant is present in population databases (rs778680090, gnomAD 0.006%). This sequence change falls in intron 15 of the MCM2 gene. It does not directly change the encoded amino acid sequence of the MCM2 protein. It affects a nucleotide within the consensus splice site. In summary, the available evidence is currently insufficient to determine the role of this variant in disease. Therefore, it has been classified as a Variant of Uncertain Significance.

Literature cited by the submitters: PubMed 17576681; PubMed 9536098.

NM_004526.4(MCM2):c.2604+3A>G

Genes: MCM2 (minichromosome maintenance complex component 2; plus strand), LOC107986126 (uncharacterized LOC107986126; minus strand). Cytogenetic location: 3q21.3.
Variant type: single nucleotide variant.
Coding change: c.2604+3A>G on transcript NM_004526.4 (MANE Select); 3 bases into the intron after coding-DNA position 2604, A replaced by G.
Molecular consequence: intron variant.
Genome position (GRCh38, 1-based): chr3:127,621,231, A>G. VCF-style: chr3-127621231-A-G. GRCh37 (hg19) VCF-style: chr3-127340074-A-G.
Identifiers: ClinVar variation 1971819 (VCV001971819.5), dbSNP rs778680090, ClinGen allele CA2596296.